The following is an entry in ClinVar:

ClinVar aggregate classification (germline): Uncertain significance. Review status: criteria provided, multiple submitters, no conflicts (2 of 4 stars). 2 submissions from 2 submitters: Uncertain significance (2). Last evaluated 2026-02-22.

Conditions:
Cardiovascular phenotype. Identifiers: MedGen CN230736.

gnomAD v4.1: 2 of 1,614,024 alleles (0.00012%); highest among the groups gnomAD compares: African/African-American, 0.0027%; no homozygotes.

Submissions (2):

Ambry Genetics
Classification: Uncertain significance for Cardiovascular phenotype. Last evaluated: 2026-02-22. Review status: criteria provided, single submitter. Criteria: Ambry Variant Classification Scheme 2023. Collection method: clinical testing. Allele origin: germline.
Comment: The p.R389H variant (also known as c.1166G>A), located in coding exon 5 of the ALPK3 gene, results from a G to A substitution at nucleotide position 1166. The arginine at codon 389 is replaced by histidine, an amino acid with highly similar properties. This amino acid position is conserved. In addition, this alteration is predicted to be tolerated by in silico analysis. Based on the available evidence, the clinical significance of this variant remains unclear.

Labcorp Genetics (formerly Invitae), Labcorp
Classification: Uncertain significance. Last evaluated: 2023-12-03. Review status: criteria provided, single submitter. Criteria: Invitae Variant Classification Sherloc (09022015). Collection method: clinical testing. Allele origin: germline.
Comment: This sequence change replaces arginine, which is basic and polar, with histidine, which is basic and polar, at codon 389 of the ALPK3 protein (p.Arg389His). This variant is not present in population databases (gnomAD no frequency). This variant has not been reported in the literature in individuals affected with ALPK3-related conditions. Algorithms developed to predict the effect of missense changes on protein structure and function output the following: SIFT: "Not Available"; PolyPhen-2: "Benign"; Align-GVGD: "Not Available". The histidine amino acid residue is found in multiple mammalian species, which suggests that this missense change does not adversely affect protein function. In summary, the available evidence is currently insufficient to determine the role of this variant in disease. Therefore, it has been classified as a Variant of Uncertain Significance.

NM_020778.5(ALPK3):c.560G>A (p.Arg187His)

Gene: ALPK3 (alpha kinase 3; plus strand). Cytogenetic location: 15q25.3.
Variant type: single nucleotide variant.
Coding change: c.560G>A on transcript NM_020778.5 (MANE Select); coding-DNA position 560, G replaced by A.
Protein change: p.Arg187His; replaces arginine 187 with histidine.
Molecular consequence: missense variant.
Genome position (GRCh38, 1-based): chr15:84,839,839, G>A. VCF-style: chr15-84839839-G-A. GRCh37 (hg19) VCF-style: chr15-85383070-G-A.
Other names: c.1166G>A (NM_020778.4); short protein forms R187H.
Identifiers: ClinVar variation 2807853 (VCV002807853.4), dbSNP rs1314564648, ClinGen allele CA393372897.